The following is an entry in ClinVar:

NM_000321.3(RB1):c.-37C>T

Gene: RB1 (RB transcriptional corepressor 1; plus strand). Cytogenetic location: 13q14.2.
Variant type: single nucleotide variant.
Coding change: c.-37C>T on transcript NM_000321.3 (MANE Select); 37 bases upstream of the start codon, C replaced by T.
Molecular consequence: 5 prime UTR variant.
Genome position (GRCh38, 1-based): chr13:48,303,876, C>T. VCF-style: chr13-48303876-C-T. GRCh37 (hg19) VCF-style: chr13-48878012-C-T.
Other names: c.-37C>T (NM_001407165.1, NM_001407166.1, NM_001407167.1).
Identifiers: ClinVar variation 3666031 (VCV003666031.2).

ClinVar aggregate classification (germline): Uncertain significance (1 of 4 stars; one submission).

Conditions:
Retinoblastoma (RB1). Also called: RETINOBLASTOMA, SOMATIC. Identifiers: Orphanet 790, MedGen C0035335, MeSH D012175, MONDO:0008380, OMIM 180200, HP:0009919. Disease mechanism: loss of function. Inheritance: Both sporadic and heritable forms are tested..

Submission:

Labcorp Genetics (formerly Invitae), Labcorp
Classification: Uncertain significance for Retinoblastoma. Last evaluated: 2025-12-24. Review status: criteria provided, single submitter. Criteria: Invitae Variant Classification Sherloc (09022015). Collection method: clinical testing. Allele origin: germline.
Comment: This variant occurs in a non-coding region of the RB1 gene. It does not change the encoded amino acid sequence of the RB1 protein. This variant is not present in population databases (gnomAD no frequency). This variant has not been reported in the literature in individuals affected with RB1-related conditions. ClinVar contains an entry for this variant (Variation ID: 3666031). In summary, the available evidence is currently insufficient to determine the role of this variant in disease. Therefore, it has been classified as a Variant of Uncertain Significance.